The following is an entry in ClinVar:

ClinVar aggregate classification (germline): Uncertain significance (1 of 4 stars; one submission).

Conditions:
Cardiovascular phenotype. Identifiers: MedGen CN230736.

Submission:

Ambry Genetics
Classification: Uncertain significance for Cardiovascular phenotype. Last evaluated: 2026-07-02. Review status: criteria provided, single submitter. Criteria: Ambry Variant Classification Scheme 2023. Collection method: clinical testing. Allele origin: germline.
Comment: The p.E4468G variant (also known as c.13403A>G), located in coding exon 29 of the APOB gene, results from an A to G substitution at nucleotide position 13403. The glutamic acid at codon 4468 is replaced by glycine, an amino acid with similar properties. This amino acid position is conserved. In addition, the in silico prediction for this alteration is inconclusive. Based on the available evidence, the clinical significance of this variant remains unclear.

NM_000384.3(APOB):c.13403A>G (p.Glu4468Gly)

Gene: APOB (apolipoprotein B; minus strand). Cytogenetic location: 2p24.1.
Variant type: single nucleotide variant.
Coding change: c.13403A>G on transcript NM_000384.3 (MANE Select); coding-DNA position 13403, A replaced by G.
Protein change: p.Glu4468Gly; replaces glutamic acid 4468 with glycine.
Molecular consequence: missense variant.
Genome position (GRCh38, 1-based): chr2:21,002,019, T>C on the plus strand (A>G on the coding strand, the complement: APOB is on the minus strand). VCF-style: chr2-21002019-T-C. GRCh37 (hg19) VCF-style: chr2-21224891-T-C.
Other names: short protein forms E4468G.
Identifiers: ClinVar variation 5027296 (VCV005027296.1).